The following is an entry in ClinVar:

ClinVar aggregate classification (germline): Uncertain significance (1 of 4 stars; one submission).

Submission:

GeneDx
Classification: Uncertain significance. Last evaluated: 2019-12-24. Review status: criteria provided, single submitter. Criteria: GeneDx Variant Classification Process June 2021. Collection method: clinical testing. Allele origin: germline. Affected: yes.
Comment: Not observed in large population cohorts (Lek et al., 2016); In silico analysis, which includes protein predictors and evolutionary conservation, supports a deleterious effect; Has not been previously published as pathogenic or benign to our knowledge

NM_000489.6(ATRX):c.3968A>T (p.Glu1323Val)

Gene: ATRX (ATRX chromatin remodeler; minus strand). Cytogenetic location: Xq21.1.
Variant type: single nucleotide variant.
Coding change: c.3968A>T on transcript NM_000489.6 (MANE Select); coding-DNA position 3968, A replaced by T.
Protein change: p.Glu1323Val; replaces glutamic acid 1323 with valine.
Molecular consequence: missense variant.
Genome position (GRCh38, 1-based): chrX:77,663,534, T>A on the plus strand (A>T on the coding strand, the complement: ATRX is on the minus strand). VCF-style: chrX-77663534-T-A. GRCh37 (hg19) VCF-style: chrX-76919023-T-A.
Other names: c.3854A>T, p.Glu1285Val (NM_138270.5); short protein forms E1285V, E1323V.
Identifiers: ClinVar variation 1212827 (VCV001212827.3), dbSNP rs2148489892, ClinGen allele CA413699744.